The following is an entry in ClinVar:

NM_000038.6(APC):c.1054T>C (p.Cys352Arg)

Gene: APC (APC regulator of Wnt signaling pathway; plus strand). Cytogenetic location: 5q22.2.
Variant type: single nucleotide variant.
Coding change: c.1054T>C on transcript NM_000038.6 (MANE Select); coding-DNA position 1054, T replaced by C.
Protein change: p.Cys352Arg; replaces cysteine 352 with arginine.
Molecular consequence: missense variant. On other transcripts: non-coding transcript variant (2), intron variant (15).
Genome position (GRCh38, 1-based): chr5:112,819,086, T>C. VCF-style: chr5-112819086-T-C. GRCh37 (hg19) VCF-style: chr5-112154783-T-C.
Other names: c.1054T>C, p.Cys352Arg (NM_001127510.3, NM_001354895.2, NM_001354896.2 and 4 more transcripts); c.1000T>C, p.Cys334Arg (NM_001127511.3); c.1084T>C, p.Cys362Arg (NM_001354897.2, NM_001407446.1); c.979T>C, p.Cys327Arg (NM_001354898.2, NM_001407451.1); c.970T>C, p.Cys324Arg (NM_001354899.2, NM_001407452.1); c.877T>C, p.Cys293Arg (NM_001354900.2, NM_001354901.2, NM_001407453.1); c.205T>C, p.Cys69Arg (NM_001354906.2, NM_001407470.1); c.85-183T>C (NM_001407472.1, NM_001407471.1); and 5 more; short protein forms C293R, C327R, C352R, C324R, C362R, C334R, C69R.
Identifiers: ClinVar variation 2910046 (VCV002910046.3), dbSNP rs2149780502, ClinGen allele CA16023618.

ClinVar aggregate classification (germline): Uncertain significance (1 of 4 stars; one submission).

Conditions:
Familial adenomatous polyposis 1 (FAP1). Also called: FAMILIAL ADENOMATOUS POLYPOSIS 1, ATTENUATED; POLYPOSIS, ADENOMATOUS INTESTINAL. Identifiers: MedGen C2713442, MONDO:0021056, OMIM 175100. Disease mechanism: loss of function.

Submission:

Labcorp Genetics (formerly Invitae), Labcorp
Classification: Uncertain significance for Familial adenomatous polyposis 1. Last evaluated: 2023-03-29. Review status: criteria provided, single submitter. Criteria: Invitae Variant Classification Sherloc (09022015). Collection method: clinical testing. Allele origin: germline.
Comment: This sequence change replaces cysteine, which is neutral and slightly polar, with arginine, which is basic and polar, at codon 352 of the APC protein (p.Cys352Arg). This variant is not present in population databases (gnomAD no frequency). This variant has not been reported in the literature in individuals affected with APC-related conditions. Advanced modeling of protein sequence and biophysical properties (such as structural, functional, and spatial information, amino acid conservation, physicochemical variation, residue mobility, and thermodynamic stability) has been performed at Invitae for this missense variant, however the output from this modeling did not meet the statistical confidence thresholds required to predict the impact of this variant on APC protein function. Algorithms developed to predict the effect of sequence changes on RNA splicing suggest that this variant may disrupt the consensus splice site. In summary, the available evidence is currently insufficient to determine the role of this variant in disease. Therefore, it has been classified as a Variant of Uncertain Significance.